The following is an entry in ClinVar:

ClinVar aggregate classification (germline): Uncertain significance (1 of 4 stars; one submission).

Submission:

Labcorp Genetics (formerly Invitae), Labcorp
Classification: Uncertain significance. Last evaluated: 2024-02-05. Review status: criteria provided, single submitter. Criteria: Invitae Variant Classification Sherloc (09022015). Collection method: clinical testing. Allele origin: germline.
Comment: This sequence change replaces alanine, which is neutral and non-polar, with serine, which is neutral and polar, at codon 169 of the ADGRG1 protein (p.Ala169Ser). This variant is not present in population databases (gnomAD no frequency). This variant has not been reported in the literature in individuals affected with ADGRG1-related conditions. ClinVar contains an entry for this variant (Variation ID: 1351475). Advanced modeling of protein sequence and biophysical properties (such as structural, functional, and spatial information, amino acid conservation, physicochemical variation, residue mobility, and thermodynamic stability) performed at Invitae indicates that this missense variant is not expected to disrupt ADGRG1 protein function with a negative predictive value of 95%. In summary, the available evidence is currently insufficient to determine the role of this variant in disease. Therefore, it has been classified as a Variant of Uncertain Significance.

NM_201525.4(ADGRG1):c.505G>T (p.Ala169Ser)

Gene: ADGRG1 (adhesion G protein-coupled receptor G1; plus strand). Cytogenetic location: 16q21.
Variant type: single nucleotide variant.
Coding change: c.505G>T on transcript NM_201525.4 (MANE Select); coding-DNA position 505, G replaced by T.
Protein change: p.Ala169Ser; replaces alanine 169 with serine.
Molecular consequence: missense variant. On other transcripts: 5 prime UTR variant (5), intron variant (1).
Genome position (GRCh38, 1-based): chr16:57,653,220, G>T. VCF-style: chr16-57653220-G-T. GRCh37 (hg19) VCF-style: chr16-57687132-G-T.
Other names: c.505G>T, p.Ala169Ser (NM_001145770.3, NM_001145771.3, NM_001145772.3 and 16 more transcripts); c.520G>T, p.Ala174Ser (NM_001145773.3, NM_001370433.1); c.-21G>T (NM_001290143.2, NM_001290144.2, NM_001370451.1 and 2 more transcripts); c.349G>T, p.Ala117Ser (NM_001370442.1); c.111-766G>T (NM_001290142.2); short protein forms A174S, A169S, A117S.
Identifiers: ClinVar variation 1351475 (VCV001351475.8), dbSNP rs573149256, ClinGen allele CA396044431.